The following is an entry in ClinVar:

NM_021629.4(GNB4):c.783ATT[1] (p.Leu263del)

Gene: GNB4 (G protein subunit beta 4; minus strand). Cytogenetic location: 3q26.33.
Variant type: Microsatellite.
Coding change: c.783ATT[1] on transcript NM_021629.4 (MANE Select); one copy of the 3-base unit ATT starting at c.783; the reference has two copies in a row; one copy, 3 bases deleted.
Protein change: p.Leu263del; deletes leucine 263.
Molecular consequence: inframe deletion.
Genome position (GRCh38, 1-based): chr3:179,405,318-179,405,320, AAT deleted on the plus strand (ATT on the coding strand, the reverse complement: GNB4 is on the minus strand); deleting any 3 consecutive bases within chr3:179,405,318-179,405,325 gives the same sequence; the position shown is the placement nearest the transcript's 3' end. VCF-style (leftmost placement, unchanged base first): chr3-179405317-CAAT-C. GRCh37 (hg19) VCF-style: chr3-179123105-CAAT-C.
Other names: short protein forms L263del.
Identifiers: ClinVar variation 574338 (VCV000574338.7), dbSNP rs771274313, ClinGen allele CA88740364.

ClinVar aggregate classification (germline): Uncertain significance (1 of 4 stars; one submission).

Conditions:
Charcot-Marie-Tooth disease dominant intermediate F. Identifiers: Orphanet 352670, MedGen C4749463, MONDO:0014074, OMIM 615185.

Submission:

Labcorp Genetics (formerly Invitae), Labcorp
Classification: Uncertain significance for Charcot-Marie-Tooth disease dominant intermediate F. Last evaluated: 2018-02-19. Review status: criteria provided, single submitter. Criteria: Invitae Variant Classification Sherloc (09022015). Collection method: clinical testing. Allele origin: germline.
Comment: This variant, c.786_788delATT, results in the deletion of 1 amino acid of the GNB4 protein (p.Leu263del), but otherwise preserves the integrity of the reading frame. This variant is not present in population databases (ExAC no frequency). This variant has not been reported in the literature in individuals with GNB4-related disease. Experimental studies and prediction algorithms are not available for this variant, and the functional significance of the deleted amino acid is currently unknown. In summary, the available evidence is currently insufficient to determine the role of this variant in disease. Therefore, it has been classified as a Variant of Uncertain Significance.